The following is an entry in ClinVar:

NM_172362.3(KCNH1):c.2172G>C (p.Lys724Asn)

Gene: KCNH1 (potassium voltage-gated channel subfamily H member 1; minus strand). Cytogenetic location: 1q32.2.
Variant type: single nucleotide variant.
Coding change: c.2172G>C on transcript NM_172362.3 (MANE Select); coding-DNA position 2172, G replaced by C.
Protein change: p.Lys724Asn; replaces lysine 724 with asparagine.
Molecular consequence: missense variant.
Genome position (GRCh38, 1-based): chr1:210,684,079, C>G on the plus strand (G>C on the coding strand, the complement: KCNH1 is on the minus strand). VCF-style: chr1-210684079-C-G. GRCh37 (hg19) VCF-style: chr1-210857421-C-G.
Other names: c.2091G>C, p.Lys697Asn (NM_002238.4); short protein forms K724N, K697N.
Identifiers: ClinVar variation 4767232 (VCV004767232.1).

ClinVar aggregate classification (germline): Uncertain significance (1 of 4 stars; one submission).

Submission:

Labcorp Genetics (formerly Invitae), Labcorp
Classification: Uncertain significance. Last evaluated: 2025-02-12. Review status: criteria provided, single submitter. Criteria: Invitae Variant Classification Sherloc (09022015). Collection method: clinical testing. Allele origin: germline.
Comment: This sequence change replaces lysine, which is basic and polar, with asparagine, which is neutral and polar, at codon 724 of the KCNH1 protein (p.Lys724Asn). This variant is not present in population databases (gnomAD no frequency). This variant has not been reported in the literature in individuals affected with KCNH1-related conditions. Invitae Evidence Modeling of protein sequence and biophysical properties (such as structural, functional, and spatial information, amino acid conservation, physicochemical variation, residue mobility, and thermodynamic stability) has been performed for this missense variant. However, the output from this modeling did not meet the statistical confidence thresholds required to predict the impact of this variant on KCNH1 protein function. In summary, the available evidence is currently insufficient to determine the role of this variant in disease. Therefore, it has been classified as a Variant of Uncertain Significance.